The following is an entry in ClinVar:

ClinVar aggregate classification (germline): Uncertain significance. Review status: criteria provided, multiple submitters, no conflicts (2 of 4 stars). 3 submissions from 3 submitters: Uncertain significance (3). Last evaluated 2025-03-30.

Conditions:
Long QT syndrome (LQTS). Identifiers: MedGen C0023976, MeSH D008133, MONDO:0002442. Disease mechanism: loss of function. Inheritance: Various modes of inheritance.
Cardiac arrhythmia. Also called: Arrhythmia; Cardiac rhythm disease. Identifiers: MedGen C0003811, MONDO:0007263, HP:0011675.

Allele frequency attached by ClinVar (database versions not stated): TOPMed below 0.00001; gnomAD exomes 0.00001; ExAC 0.00003.
gnomAD v4.1: 22 of 1,605,184 alleles (0.0014%); highest among the groups gnomAD compares: Non-Finnish European, 0.0018%; no homozygotes.

Submissions (3):

Labcorp Genetics (formerly Invitae), Labcorp
Classification: Uncertain significance for Long QT syndrome. Last evaluated: 2025-03-30. Review status: criteria provided, single submitter. Criteria: Invitae Variant Classification Sherloc (09022015). Collection method: clinical testing. Allele origin: germline.
Comment: This sequence change replaces glutamic acid, which is acidic and polar, with lysine, which is basic and polar, at codon 966 of the KCNH2 protein (p.Glu966Lys). This variant is present in population databases (rs781516287, gnomAD 0.003%). This variant has not been reported in the literature in individuals affected with KCNH2-related conditions. ClinVar contains an entry for this variant (Variation ID: 1471523). An algorithm developed to predict the effect of missense changes on protein structure and function (PolyPhen-2) suggests that this variant is likely to be tolerated. In summary, the available evidence is currently insufficient to determine the role of this variant in disease. Therefore, it has been classified as a Variant of Uncertain Significance.

All of Us Research Program, National Institutes of Health
Classification: Uncertain significance for Long QT syndrome. Last evaluated: 2023-12-15. Review status: criteria provided, single submitter. Criteria: ACMG Guidelines, 2015. Collection method: clinical testing. Allele origin: germline. Inheritance: Autosomal dominant inheritance. Observed: 4 variant alleles, 4 heterozygotes.
Comment: This missense variant replaces glutamic acid with lysine at codon 966 of the KCNH2 protein. Computational prediction suggests that this variant may not impact protein structure and function (internally defined REVEL score threshold <= 0.5, PMID: 27666373). To our knowledge, functional studies have not been reported for this variant. This variant has not been reported in individuals affected with cardiovascular disorders in the literature. This variant has been identified in 3/226418 chromosomes in the general population by the Genome Aggregation Database (gnomAD). The available evidence is insufficient to determine the role of this variant in disease conclusively. Therefore, this variant is classified as a Variant of Uncertain Significance.

This study involves interpretation of variants in research participants for the purpose of population health screening. Participant phenotype was not available at the time of variant classification. Additional details can be found in publication PMID: 35346344, PMCID: PMC8962531

Color Diagnostics, LLC DBA Color Health
Classification: Uncertain significance for Cardiac arrhythmia. Last evaluated: 2023-05-04. Review status: criteria provided, single submitter. Criteria: ACMG Guidelines, 2015. Collection method: clinical testing. Allele origin: germline.
Comment: This missense variant replaces glutamic acid with lysine at codon 966 of the KCNH2 protein. Computational prediction suggests that this variant may not impact protein structure and function (internally defined REVEL score threshold <= 0.5, PMID: 27666373). To our knowledge, functional studies have not been reported for this variant. This variant has not been reported in individuals affected with KCNH2-related disorders in the literature. This variant has been identified in 3/226418 chromosomes in the general population by the Genome Aggregation Database (gnomAD). The available evidence is insufficient to determine the role of this variant in disease conclusively. Therefore, this variant is classified as a Variant of Uncertain Significance.

NM_000238.4(KCNH2):c.2896G>A (p.Glu966Lys)

Gene: KCNH2 (potassium voltage-gated channel subfamily H member 2; minus strand). Cytogenetic location: 7q36.1.
Variant type: single nucleotide variant.
Coding change: c.2896G>A on transcript NM_000238.4 (MANE Select); coding-DNA position 2896, G replaced by A.
Protein change: p.Glu966Lys; replaces glutamic acid 966 with lysine.
Molecular consequence: missense variant.
Genome position (GRCh38, 1-based): chr7:150,947,675, C>T on the plus strand (G>A on the coding strand, the complement: KCNH2 is on the minus strand). VCF-style: chr7-150947675-C-T. GRCh37 (hg19) VCF-style: chr7-150644763-C-T.
Other names: c.1876G>A, p.Glu626Lys (NM_172057.3); short protein forms E626K, E966K.
Identifiers: ClinVar variation 1471523 (VCV001471523.8), dbSNP rs781516287, ClinGen allele CA035287.
Genomic context (GRCh38, chr7:150,947,675, plus strand): 5'-GGTTGCAAGTGTCGCTGCTCTTCTCGCAGTCCTCCATCAGGGGCTCCCCACCCGGCGGCT[C>T]TCCGGGGGGCCTGGGGCTGGAGAAGGGCACCAGGCGGAGGGGGCTGGAGCTGCGGCCTGG-3'
Protein context (NP_000229.1, residues 956-976): VPFSSPRPPG[Glu966Lys]PPGGEPLMED